The following is an entry in ClinVar:

NM_015627.3(LDLRAP1):c.622G>A (p.Ala208Thr)

Gene: LDLRAP1 (low density lipoprotein receptor adaptor protein 1; plus strand). Cytogenetic location: 1p36.11.
Variant type: single nucleotide variant.
Coding change: c.622G>A on transcript NM_015627.3 (MANE Select); coding-DNA position 622, G replaced by A.
Protein change: p.Ala208Thr; replaces alanine 208 with threonine.
Molecular consequence: missense variant.
Genome position (GRCh38, 1-based): chr1:25,563,666, G>A. VCF-style: chr1-25563666-G-A. GRCh37 (hg19) VCF-style: chr1-25890157-G-A.
Other names: short protein forms A208T.
Identifiers: ClinVar variation 296983 (VCV000296983.17), dbSNP rs146122441, ClinGen allele CA695681.

ClinVar aggregate classification (germline): Conflicting classifications of pathogenicity. Review status: criteria provided, conflicting classifications (1 of 4 stars). 7 submissions from 7 submitters: Uncertain significance (5); Likely benign (1). 1 of the submissions does not count toward it. Last evaluated 2025-01-06.

Conditions:
Familial hypercholesterolemia. Also called: Familial hypercholesterolaemia; Familial hypercholesterolemias. Identifiers: MedGen C0020445, MONDO:0005439.
Hypercholesterolemia, familial, 4 (FHCL4). Also called: HYPERCHOLESTEROLEMIA, AUTOSOMAL RECESSIVE, 1; HYPERCHOLESTEROLEMIA, AUTOSOMAL RECESSIVE, 2. Identifiers: Orphanet 391665, MedGen C1863512, MONDO:0011374, OMIM 603813.
Cardiovascular phenotype. Identifiers: MedGen CN230736.

Allele frequency attached by ClinVar (database versions not stated): gnomAD 0.00011 and 0.00012; TOPMed 0.00013; gnomAD exomes 0.00018 and 0.00033; ExAC 0.00019; ESP Exome Variant Server 0.00031.

Submissions (7):

Women's Health and Genetics/Laboratory Corporation of America, LabCorp
Classification: Uncertain significance. Last evaluated: 2025-01-06. Review status: criteria provided, single submitter. Criteria: LabCorp Variant Classification Summary - May 2015. Collection method: clinical testing. Allele origin: germline.
Comment: Variant summary: LDLRAP1 c.622G>A (p.Ala208Thr) results in a non-conservative amino acid change in the encoded protein sequence. Three of five in-silico tools predict a benign effect of the variant on protein function. The variant allele was found at a frequency of 0.00018 in 250224 control chromosomes. This frequency is not significantly higher than estimated for a pathogenic variant in LDLRAP1 causing Familial Hypercholesterolemia, allowing no conclusion about variant significance. c.622G>A has been reported in the literature in at least one individual affected with Hypercholesterolemia without strong evidence for causailty (Dron_2020, Rieck_2020). These report(s) do not provide unequivocal conclusions about association of the variant with Familial Hypercholesterolemia. To our knowledge, no experimental evidence demonstrating an impact on protein function has been reported. The following publications have been ascertained in the context of this evaluation (PMID: 32041611, 32770674). ClinVar contains an entry for this variant (Variation ID: 296983). Based on the evidence outlined above, the variant was classified as uncertain significance.

Blueprint Genetics
Classification: Uncertain significance. Last evaluated: 2024-10-10. Review status: criteria provided, single submitter. Criteria: ACMG Guidelines, 2015. Collection method: clinical testing. Allele origin: germline.

Ambry Genetics
Classification: Likely benign for Cardiovascular phenotype. Last evaluated: 2022-09-29. Review status: criteria provided, single submitter. Criteria: Ambry Variant Classification Scheme 2023. Collection method: clinical testing. Allele origin: germline.

Labcorp Genetics (formerly Invitae), Labcorp
Classification: Uncertain significance for Hypercholesterolemia, familial, 4. Last evaluated: 2022-06-09. Review status: criteria provided, single submitter. Criteria: Invitae Variant Classification Sherloc (09022015). Collection method: clinical testing. Allele origin: germline.
Comment: This sequence change replaces alanine, which is neutral and non-polar, with threonine, which is neutral and polar, at codon 208 of the LDLRAP1 protein (p.Ala208Thr). This variant is present in population databases (rs146122441, gnomAD 0.04%). This variant has not been reported in the literature in individuals affected with LDLRAP1-related conditions. ClinVar contains an entry for this variant (Variation ID: 296983). Algorithms developed to predict the effect of missense changes on protein structure and function output the following: SIFT: "Deleterious"; PolyPhen-2: "Benign"; Align-GVGD: "Class C0". The threonine amino acid residue is found in multiple mammalian species, which suggests that this missense change does not adversely affect protein function. In summary, the available evidence is currently insufficient to determine the role of this variant in disease. Therefore, it has been classified as a Variant of Uncertain Significance.

Fulgent Genetics
Classification: Uncertain significance for Hypercholesterolemia, familial, 4. Last evaluated: 2021-07-26. Review status: criteria provided, single submitter. Criteria: ACMG Guidelines, 2015. Collection method: clinical testing. Allele origin: unknown.

Illumina Laboratory Services, Illumina
Classification: Uncertain significance for Hypercholesterolemia, familial, 4. Last evaluated: 2018-01-13. Review status: criteria provided, single submitter. Criteria: ICSL Variant Classification Criteria 13 December 2019. Collection method: clinical testing. Allele origin: germline.

Natera, Inc.
Classification: Uncertain significance for Familial hypercholesterolemia. Last evaluated: 2020-01-15. Review status: no assertion criteria provided. Collection method: clinical testing. Allele origin: germline. Not counted in ClinVar's aggregate classification.

Literature cited by the submitters: PubMed 32041611 (cited by Women's Health and Genetics/Laboratory Corporation of America, LabCorp and Ambry Genetics); PubMed 32770674 (cited by Women's Health and Genetics/Laboratory Corporation of America, LabCorp and Ambry Genetics); PubMed 34389451 (cited by Ambry Genetics).